The following is an entry in ClinVar:

ClinVar aggregate classification (germline): Uncertain significance (0 of 4 stars; one submission).

Conditions:
ARMC5-related disorder. Also called: ARMC5-related condition.

gnomAD v4.1: 67 of 1,598,134 alleles (0.0042%); highest among the groups gnomAD compares: African/African-American, 0.017%; no homozygotes.

Submission:

PreventionGenetics, part of Exact Sciences
Classification: Uncertain significance for ARMC5-related condition. Last evaluated: 2024-07-09. Review status: no assertion criteria provided. Collection method: clinical testing. Allele origin: germline.
Comment: The ARMC5 c.2110C>T variant is predicted to result in the amino acid substitution p.Arg704Cys. To our knowledge, this variant has not been reported in the literature. This variant is reported in 0.0087% of alleles in individuals of African descent in gnomAD. At this time, the clinical significance of this variant is uncertain due to the absence of conclusive functional and genetic evidence.

NM_001105247.2(ARMC5):c.1825C>T (p.Arg609Cys)

Gene: ARMC5 (armadillo repeat containing 5; plus strand). Cytogenetic location: 16p11.2.
Variant type: single nucleotide variant.
Coding change: c.1825C>T on transcript NM_001105247.2 (MANE Select); coding-DNA position 1825, C replaced by T.
Protein change: p.Arg609Cys; replaces arginine 609 with cysteine.
Molecular consequence: missense variant.
Genome position (GRCh38, 1-based): chr16:31,464,848, C>T. VCF-style: chr16-31464848-C-T. GRCh37 (hg19) VCF-style: chr16-31476169-C-T.
Other names: c.2110C>T, p.Arg704Cys (NM_001288767.2); c.1921C>T, p.Arg641Cys (NM_001301820.1); c.1825C>T, p.Arg609Cys (NM_024742.2); short protein forms R609C, R641C, R704C.
Identifiers: ClinVar variation 3356865 (VCV003356865.1).